The following is an entry in ClinVar:

NM_015629.4(PRPF31):c.735C>T (p.Pro245=)

Gene: PRPF31 (pre-mRNA processing factor 31; plus strand). Cytogenetic location: 19q13.42.
Variant type: single nucleotide variant.
Coding change: c.735C>T on transcript NM_015629.4 (MANE Select); coding-DNA position 735, C replaced by T.
Protein change: p.Pro245=; no amino-acid change (proline 245 retained).
Molecular consequence: synonymous variant.
Genome position (GRCh38, 1-based): chr19:54,124,536, C>T. VCF-style: chr19-54124536-C-T. GRCh37 (hg19) VCF-style: chr19-54627915-C-T.
Identifiers: ClinVar variation 330100 (VCV000330100.24), dbSNP rs11556769, ClinGen allele CA309326055.

ClinVar aggregate classification (germline): Benign. Review status: criteria provided, multiple submitters, no conflicts (2 of 4 stars). 6 submissions from 6 submitters: Benign (6). Last evaluated 2026-02-03.

Conditions:
Retinitis pigmentosa 11 (RP11). Identifiers: Orphanet 791, MedGen C1838601, MONDO:0010828, OMIM 600138.
Retinal dystrophy. Also called: Inherited retinal dystrophy. Identifiers: Orphanet 71862, MedGen C0854723, MeSH D058499, MONDO:0019118, HP:0000556.
Retinitis pigmentosa (RP). Identifiers: Orphanet 791, MedGen C0035334, MeSH D012174, MONDO:0019200, OMIM 268000. Inheritance: Autosomal dominant, autosomal recessive and X linked inheritance.

Allele frequency attached by ClinVar (database versions not stated): 1000 Genomes Project 30x 0.06496; 1000 Genomes Project 0.06510; TOPMed 0.08007; gnomAD exomes 0.08409 and 0.09693; ESP Exome Variant Server 0.08488; gnomAD 0.08499 and 0.08507; ExAC 0.08711.
gnomAD v4.1: 154,203 of 1,611,194 alleles (9.6%); highest among the groups gnomAD compares: South Asian, 11%; 8,062 homozygotes.

Submissions (6):

Labcorp Genetics (formerly Invitae), Labcorp
Classification: Benign. Last evaluated: 2026-02-03. Review status: criteria provided, single submitter. Criteria: Invitae Variant Classification Sherloc (09022015). Collection method: clinical testing. Allele origin: germline.

ARUP Laboratories, Molecular Genetics and Genomics, ARUP Laboratories
Classification: Benign for Retinitis pigmentosa 11. Last evaluated: 2023-11-03. Review status: criteria provided, single submitter. Criteria: ARUP Molecular Germline Variant Investigation Process 2024. Collection method: clinical testing. Allele origin: germline.

Dept Of Ophthalmology, Nagoya University
Classification: Benign for Retinal dystrophy. Last evaluated: 2023-10-01. Review status: criteria provided, single submitter. Criteria: Submitter's publication. Collection method: research. Allele origin: germline. Affected: yes.

Illumina Laboratory Services, Illumina
Classification: Benign for Retinitis pigmentosa. Last evaluated: 2018-01-12. Review status: criteria provided, single submitter. Criteria: ICSL Variant Classification Criteria 13 December 2019. Collection method: clinical testing. Allele origin: germline.
Comment: This variant was observed in the ICSL laboratory as part of a predisposition screen in an ostensibly healthy population. It had not been previously curated by ICSL or reported in the Human Gene Mutation Database (HGMD: prior to June 1st, 2018), and was therefore a candidate for classification through an automated scoring system. Utilizing variant allele frequency, disease prevalence and penetrance estimates, and inheritance mode, an automated score was calculated to assess if this variant is too frequent to cause the disease. Based on the score and internal cut-off values, a variant classified as benign is not then subjected to further curation. The score for this variant resulted in a classification of benign for this disease.

GeneDx
Classification: Benign. Last evaluated: 2015-03-03. Review status: criteria provided, single submitter. Criteria: GeneDx Variant Classification Process June 2021. Collection method: clinical testing. Allele origin: germline. Affected: yes.

Breakthrough Genomics
Classification: Benign. Review status: criteria provided, single submitter. Criteria: ACMG Guidelines, 2015. Collection method: not provided. Allele origin: germline. Inheritance: Autosomal dominant inheritance. Affected: yes.